The following is an entry in ClinVar:

NM_024570.4(RNASEH2B):c.631T>C (p.Tyr211His)

Gene: RNASEH2B (ribonuclease H2 subunit B; plus strand). Cytogenetic location: 13q14.3.
Variant type: single nucleotide variant.
Coding change: c.631T>C on transcript NM_024570.4 (MANE Select); coding-DNA position 631, T replaced by C.
Protein change: p.Tyr211His; replaces tyrosine 211 with histidine.
Molecular consequence: missense variant.
Genome position (GRCh38, 1-based): chr13:50,948,001, T>C. VCF-style: chr13-50948001-T-C. GRCh37 (hg19) VCF-style: chr13-51522137-T-C.
Other names: c.631T>C, p.Tyr211His (NM_001142279.2); short protein forms Y211H.
Identifiers: ClinVar variation 1427436 (VCV001427436.3), dbSNP rs1951926945, ClinGen allele CA388259803.
Genomic context (GRCh38, chr13:50,948,001, plus strand): 5'-TACTATTTTTTTTTTTTGCTTTCACTCCTCCTTCTGTTTCTTTCAGAGGATTATATTCGT[T>C]ATGCCCATGGTCTGATATCTGACTACATCCCTAAAGAATTAAGTGATGACTTATCTAAAT-3'
Protein context (NP_078846.2, residues 201-221): STDKEEDYIR[Tyr211His]AHGLISDYIP

ClinVar aggregate classification (germline): Uncertain significance (1 of 4 stars; one submission).

Conditions:
Aicardi-Goutieres syndrome 2. Identifiers: Orphanet 51, MedGen C3489724, MONDO:0012429, OMIM 610181.

Allele frequency attached by ClinVar (database versions not stated): TOPMed below 0.00001.

Submission:

Labcorp Genetics (formerly Invitae), Labcorp
Classification: Uncertain significance for Aicardi-Goutieres syndrome 2. Last evaluated: 2022-02-08. Review status: criteria provided, single submitter. Criteria: Invitae Variant Classification Sherloc (09022015). Collection method: clinical testing. Allele origin: germline.
Comment: This sequence change replaces tyrosine, which is neutral and polar, with histidine, which is basic and polar, at codon 211 of the RNASEH2B protein (p.Tyr211His). This variant is not present in population databases (gnomAD no frequency). This variant has not been reported in the literature in individuals affected with RNASEH2B-related conditions. Algorithms developed to predict the effect of missense changes on protein structure and function (SIFT, PolyPhen-2, Align-GVGD) all suggest that this variant is likely to be disruptive. In summary, the available evidence is currently insufficient to determine the role of this variant in disease. Therefore, it has been classified as a Variant of Uncertain Significance.